The following is an entry in ClinVar:

ClinVar aggregate classification (germline): Conflicting classifications of pathogenicity. Review status: criteria provided, conflicting classifications (1 of 4 stars). 2 submissions from 2 submitters: Uncertain significance (1); Likely benign (1). Last evaluated 2025-04-20.

Conditions:
MERTK-related disorder. Also called: MERTK-related condition.

Allele frequency attached by ClinVar (database versions not stated): gnomAD 0.00001; gnomAD exomes 0.00001 and 0.00004; TOPMed 0.00003; ExAC 0.00004.
gnomAD v4.1: 17 of 1,428,542 alleles (0.0012%); highest among the groups gnomAD compares: Admixed American, 0.028%; no homozygotes.

Submissions (2):

PreventionGenetics, part of Exact Sciences
Classification: Likely benign for MERTK-related condition. Last evaluated: 2025-04-20. Review status: criteria provided, single submitter. Criteria: ACMG Guidelines, 2015. Collection method: clinical testing. Allele origin: germline.
Comment: This variant is classified as likely benign based on ACMG/AMP sequence variant interpretation guidelines (Richards et al. 2015 PMID: 25741868, with internal and published modifications).

Labcorp Genetics (formerly Invitae), Labcorp
Classification: Uncertain significance. Last evaluated: 2022-07-12. Review status: criteria provided, single submitter. Criteria: Invitae Variant Classification Sherloc (09022015). Collection method: clinical testing. Allele origin: germline.
Comment: This sequence change falls in intron 11 of the MERTK gene. It does not directly change the encoded amino acid sequence of the MERTK protein. This variant is present in population databases (rs774702347, gnomAD 0.03%). This variant has not been reported in the literature in individuals affected with MERTK-related conditions. ClinVar contains an entry for this variant (Variation ID: 1450268). Algorithms developed to predict the effect of sequence changes on RNA splicing suggest that this variant may disrupt the consensus splice site. In summary, the available evidence is currently insufficient to determine the role of this variant in disease. Therefore, it has been classified as a Variant of Uncertain Significance.

NM_006343.3(MERTK):c.1691-6T>A

Gene: MERTK (MER proto-oncogene, tyrosine kinase; plus strand). Cytogenetic location: 2q13.
Variant type: single nucleotide variant.
Coding change: c.1691-6T>A on transcript NM_006343.3 (MANE Select); 6 bases into the intron before coding-DNA position 1691, T replaced by A.
Molecular consequence: intron variant.
Genome position (GRCh38, 1-based): chr2:112,003,086, T>A. VCF-style: chr2-112003086-T-A. GRCh37 (hg19) VCF-style: chr2-112760663-T-A.
Other names: c.1691-6T>A (NM_006343.2).
Identifiers: ClinVar variation 1450268 (VCV001450268.4), dbSNP rs774702347, ClinGen allele CA1831521.